The following is an entry in ClinVar:

ClinVar aggregate classification (germline): Uncertain significance. Review status: criteria provided, multiple submitters, no conflicts (2 of 4 stars). 2 submissions from 2 submitters: Uncertain significance (2). Last evaluated 2025-11-28.

Conditions:
Inborn genetic diseases. Identifiers: MedGen C0950123, MeSH D030342.
Pityriasis rubra pilaris (PRP). Also called: Pityriasis rubra pilaris--familial type. Identifiers: Orphanet 2897, MedGen C0032027, MONDO:0100017, OMIM 173200, MONDO:0008251.
Psoriasis 2. Identifiers: MedGen C1864497, MONDO:0011269, OMIM 602723.

Allele frequency attached by ClinVar (database versions not stated): gnomAD exomes 0.00001 and 0.00002; ExAC 0.00002; TOPMed 0.00006; ESP Exome Variant Server 0.00008; gnomAD 0.00008 and 0.00010.
gnomAD v4.1: 31 of 1,599,638 alleles (0.0019%); highest among the groups gnomAD compares: African/African-American, 0.03%; no homozygotes.

Submissions (2):

Labcorp Genetics (formerly Invitae), Labcorp
Classification: Uncertain significance for Pityriasis rubra pilaris; Psoriasis 2. Last evaluated: 2025-11-28. Review status: criteria provided, single submitter. Criteria: Invitae Variant Classification Sherloc (09022015). Collection method: clinical testing. Allele origin: germline.
Comment: This sequence change replaces aspartic acid, which is acidic and polar, with asparagine, which is neutral and polar, at codon 256 of the CARD14 protein (p.Asp256Asn). This variant is present in population databases (rs144570537, gnomAD 0.03%). This variant has not been reported in the literature in individuals affected with CARD14-related conditions. ClinVar contains an entry for this variant (Variation ID: 1421073). Invitae Evidence Modeling of protein sequence and biophysical properties (such as structural, functional, and spatial information, amino acid conservation, physicochemical variation, residue mobility, and thermodynamic stability) indicates that this missense variant is not expected to disrupt CARD14 protein function with a negative predictive value of 95%. In summary, the available evidence is currently insufficient to determine the role of this variant in disease. Therefore, it has been classified as a Variant of Uncertain Significance.

Ambry Genetics
Classification: Uncertain significance for Inborn genetic diseases. Last evaluated: 2024-10-03. Review status: criteria provided, single submitter. Criteria: Ambry Variant Classification Scheme 2023. Collection method: clinical testing. Allele origin: germline.

NM_001366385.1(CARD14):c.766G>A (p.Asp256Asn)

Gene: CARD14 (caspase recruitment domain family member 14; plus strand). Cytogenetic location: 17q25.3.
Variant type: single nucleotide variant.
Coding change: c.766G>A on transcript NM_001366385.1 (MANE Select); coding-DNA position 766, G replaced by A.
Protein change: p.Asp256Asn; replaces aspartic acid 256 with asparagine.
Molecular consequence: missense variant. On other transcripts: non-coding transcript variant (1).
Genome position (GRCh38, 1-based): chr17:80,188,467, G>A. VCF-style: chr17-80188467-G-A. GRCh37 (hg19) VCF-style: chr17-78162266-G-A.
Other names: c.766G>A, p.Asp256Asn (NM_024110.4, NM_001257970.1); c.55G>A, p.Asp19Asn (NM_052819.3); c.766G>A (NM_024110.3); short protein forms D19N, D256N.
Identifiers: ClinVar variation 1421073 (VCV001421073.10), dbSNP rs144570537, ClinGen allele CA8816515.
Genomic context (GRCh38, chr17:80,188,467, plus strand): 5'-GCCAACATGGTTTCCTCCTGTGAGCTGGAATTGCAAGAGCAGTCCCTGAGGACAGCCAGC[G>A]ACCAGGAGTCCGGGGATGAGGAGCTGAACCGCCTGAAGGAGGAGAATGAGAAACTGCGCT-3'
Protein context (NP_001353314.1, residues 246-266): LQEQSLRTAS[Asp256Asn]QESGDEELNR